The following is an entry in ClinVar:

NM_016204.4(GDF2):c.346+74G>A

Gene: GDF2 (growth differentiation factor 2; plus strand). Cytogenetic location: 10q11.22.
Variant type: single nucleotide variant.
Coding change: c.346+74G>A on transcript NM_016204.4 (MANE Select); 74 bases into the intron after coding-DNA position 346, G replaced by A.
Molecular consequence: intron variant.
Genome position (GRCh38, 1-based): chr10:47,323,088, G>A. VCF-style: chr10-47323088-G-A. GRCh37 (hg19) VCF-style: chr10-48416274-C-T.
Identifiers: ClinVar variation 674696 (VCV000674696.2), dbSNP rs12252199, ClinGen allele CA13189428.

ClinVar aggregate classification (germline): Benign. Review status: criteria provided, multiple submitters, no conflicts (2 of 4 stars). 2 submissions from 2 submitters: Benign (2). Last evaluated 2018-06-16.

Allele frequency attached by ClinVar (database versions not stated): 1000 Genomes Project 0.13099; 1000 Genomes Project 30x 0.13148; gnomAD 0.14620 and 0.14758; TOPMed 0.14921.

Submissions (2):

GeneDx
Classification: Benign. Last evaluated: 2018-06-16. Review status: criteria provided, single submitter. Criteria: GeneDx Variant Classification (06012015). Collection method: clinical testing. Allele origin: germline. Affected: yes.
Comment: This variant is considered likely benign or benign based on one or more of the following criteria: it is a conservative change, it occurs at a poorly conserved position in the protein, it is predicted to be benign by multiple in silico algorithms, and/or has population frequency not consistent with disease.

Breakthrough Genomics
Classification: Benign. Review status: criteria provided, single submitter. Criteria: ACMG Guidelines, 2015. Collection method: not provided. Allele origin: germline. Inheritance: Autosomal dominant inheritance. Affected: yes.